The following is an entry in ClinVar:

NM_006343.3(MERTK):c.2323C>T (p.Arg775Ter)

Gene: MERTK (MER proto-oncogene, tyrosine kinase; plus strand). Cytogenetic location: 2q13.
Variant type: single nucleotide variant.
Coding change: c.2323C>T on transcript NM_006343.3 (MANE Select); coding-DNA position 2323, C replaced by T.
Protein change: p.Arg775Ter; replaces arginine 775 with a stop codon.
Molecular consequence: nonsense.
Genome position (GRCh38, 1-based): chr2:112,021,555, C>T. VCF-style: chr2-112021555-C-T. GRCh37 (hg19) VCF-style: chr2-112779132-C-T.
Other names: short protein forms R775*.
Identifiers: ClinVar variation 37305 (VCV000037305.13), dbSNP rs387907314, ClinGen allele CA260612.

ClinVar aggregate classification (germline): Pathogenic. Review status: criteria provided, multiple submitters, no conflicts (2 of 4 stars). 9 submissions from 9 submitters: Pathogenic (7). 2 of the submissions do not count toward it. Last evaluated 2025-11-27.

Conditions:
MERTK-related disorder. Also called: MERTK-related condition.
Retinal dystrophy. Also called: Inherited retinal dystrophy. Identifiers: Orphanet 71862, MedGen C0854723, MeSH D058499, MONDO:0019118, HP:0000556.
Autosomal recessive retinitis pigmentosa. Identifiers: MedGen C0339526.
Retinitis pigmentosa 38 (RP38). Also called: ROD-CONE DYSTROPHY, CHILDHOOD-ONSET. Identifiers: Orphanet 791, MedGen C3151228, MONDO:0013469, OMIM 613862.

Allele frequency attached by ClinVar (database versions not stated): gnomAD exomes below 0.00001; TOPMed below 0.00001; ExAC 0.00001.
gnomAD v4.1: 6 of 1,550,592 alleles (0.00039%); highest among the groups gnomAD compares: South Asian, 0.0012%; no homozygotes.

Submissions (9):

Labcorp Genetics (formerly Invitae), Labcorp
Classification: Pathogenic. Last evaluated: 2025-11-27. Review status: criteria provided, single submitter. Criteria: Invitae Variant Classification Sherloc (09022015). Collection method: clinical testing. Allele origin: germline.
Comment: This sequence change creates a premature translational stop signal (p.Arg775*) in the MERTK gene. It is expected to result in an absent or disrupted protein product. Loss-of-function variants in MERTK are known to be pathogenic (PMID: 24265693, 29659094). The frequency data for this variant in the population databases is considered unreliable, as metrics indicate poor data quality at this position in the gnomAD database. This premature translational stop signal has been observed in individual(s) with retinitis pigmentosa (PMID: 22180149). It has also been observed to segregate with disease in related individuals. ClinVar contains an entry for this variant (Variation ID: 37305). For these reasons, this variant has been classified as Pathogenic.

PreventionGenetics, part of Exact Sciences
Classification: Pathogenic for MERTK-related condition. Last evaluated: 2025-07-21. Review status: criteria provided, single submitter. Criteria: ACMG Guidelines, 2015. Collection method: clinical testing. Allele origin: germline.
Comment: The MERTK c.2323C>T variant is predicted to result in premature protein termination (p.Arg775*). This variant was reported in the homozygous state in three siblings with retinitis pigmentosa (Ksantini et al. 2012. PubMed ID: 22180149). This variant is reported in 0.0047% of alleles in individuals of European (Finnish) descent in gnomAD. Nonsense variants in MERTK are expected to be pathogenic. This variant is interpreted as pathogenic.

Dasa
Classification: Pathogenic. Last evaluated: 2025-07-17. Review status: criteria provided, single submitter. Criteria: DASA Assertion Criteria. Collection method: clinical testing. Allele origin: germline.
Comment: NM_006343.3(MERTK):c.2323C>T (p.Arg775*) introduces a premature termination codon predicted to result in loss of normal protein function. Loss-of-function is an established mechanism of disease for this gene. This variant has been observed in affected individuals with related phenotype in a genotype context consistent with recessive disease (PMID: 22180149). This variant has been reported in individuals with related phenotype (PMID: 22180149). The variant is present at low frequency in population datasets. Based on the available data, this variant is classified as pathogenic.

3billion
Classification: Pathogenic for Retinitis pigmentosa 38. Last evaluated: 2025-03-05. Review status: criteria provided, single submitter. Criteria: ACMG Guidelines, 2015. Collection method: clinical testing. Allele origin: germline. Affected: yes.
Comment: The variant is observed at an extremely low frequency in the gnomAD v4.1.0 dataset (total allele frequency: <0.001%). Predicted Consequence/Location: Stop-gained (nonsense): predicted to result in a loss or disruption of normal protein function through nonsense-mediated decay (NMD) or protein truncation. Multiple pathogenic variants are reported downstream of the variant. The variant has been reported at least twice as pathogenic without evidence for the classification (ClinVar ID: VCV000037305 /PMID: 22180149). Therefore, this variant is classified as Pathogenic according to the recommendation of ACMG/AMP guideline.

Department of Pathology and Laboratory Medicine, Sinai Health System
Classification: Pathogenic for Retinitis pigmentosa 38. Last evaluated: 2023-09-10. Review status: criteria provided, single submitter. Criteria: ACMG Guidelines, 2015. Collection method: research. Allele origin: germline.

Institute of Human Genetics, Univ. Regensburg, Univ. Regensburg
Classification: Pathogenic for Retinal dystrophy. Last evaluated: 2022-01-01. Review status: criteria provided, single submitter. Criteria: ACMG Guidelines, 2015. Collection method: clinical testing. Allele origin: germline. Affected: yes.

Blueprint Genetics
Classification: Pathogenic for MERTK-related disorders. Last evaluated: 2019-12-23. Review status: criteria provided, single submitter. Criteria: ACMG Guidelines, 2015. Collection method: clinical testing. Allele origin: germline. Affected: yes. Observed: 5 variant alleles.

Faculty of Health Sciences, Beirut Arab University
Classification: Pathogenic for Autosomal recessive Retinitis Pigmentosa. Last evaluated: 2018-05-23. Review status: no assertion criteria provided. Collection method: literature only. Allele origin: germline. Affected: yes. Observed: 5 variant alleles. Not counted in ClinVar's aggregate classification.

OMIM
Classification: Pathogenic for RETINITIS PIGMENTOSA 38. Last evaluated: 2012-07-01. Review status: no assertion criteria provided. Collection method: literature only. Allele origin: germline. Not counted in ClinVar's aggregate classification.

Literature cited by the submitters: PubMed 24265693 (cited by Labcorp Genetics (formerly Invitae), Labcorp); PubMed 29659094 (cited by Labcorp Genetics (formerly Invitae), Labcorp and Faculty of Health Sciences, Beirut Arab University); PubMed 22180149 (cited by 6 submitters); PubMed 31589614 (cited by Institute of Human Genetics, Univ. Regensburg, Univ. Regensburg); PubMed 33090715 (cited by Institute of Human Genetics, Univ. Regensburg, Univ. Regensburg); PubMed 36819107 (cited by Institute of Human Genetics, Univ. Regensburg, Univ. Regensburg).